The following is an entry in ClinVar:

NM_032531.4(KIRREL3):c.2019G>A (p.Met673Ile)

Gene: KIRREL3 (kirre like nephrin family adhesion molecule 3; minus strand). Cytogenetic location: 11q24.2.
Variant type: single nucleotide variant.
Coding change: c.2019G>A on transcript NM_032531.4 (MANE Select); coding-DNA position 2019, G replaced by A.
Protein change: p.Met673Ile; replaces methionine 673 with isoleucine.
Molecular consequence: missense variant.
Genome position (GRCh38, 1-based): chr11:126,424,898, C>T on the plus strand (G>A on the coding strand, the complement: KIRREL3 is on the minus strand). VCF-style: chr11-126424898-C-T. GRCh37 (hg19) VCF-style: chr11-126294793-C-T.
Other names: c.1983G>A, p.Met661Ile (NM_001301097.2); short protein forms M673I, M661I.
Identifiers: ClinVar variation 375632 (VCV000375632.2), dbSNP rs1057519593, ClinGen allele CA16044398.

ClinVar aggregate classification (germline): Likely pathogenic (1 of 4 stars; one submission).

Conditions:
Intellectual developmental disorder, autosomal dominant 4. Also called: Intellectual disability, autosomal dominant 4. Identifiers: MedGen C2675487, MONDO:0012947, OMIM 612581.

Submission:

Center of Genomic medicine, Geneva, University Hospital of Geneva
Classification: Likely pathogenic for Intellectual developmental disorder, autosomal dominant 4. Last evaluated: 2015-11-19. Review status: criteria provided, single submitter. Criteria: ACMG Guidelines, 2015. Collection method: clinical testing. Allele origin: de novo. Affected: yes.
Comment: Prader-Willi syndrome has been excluded. It has been reported that pathogenic variants in KIRREL3 cause autosomic dominant mental retardation (OMIM 607761).

Literature cited by the submitters: PubMed 19012874.